The following is an entry in ClinVar:

NM_014915.3(ANKRD26):c.4876A>C (p.Ile1626Leu)

Gene: ANKRD26 (ankyrin repeat domain 26; minus strand). Cytogenetic location: 10p12.1.
Variant type: single nucleotide variant.
Coding change: c.4876A>C on transcript NM_014915.3 (MANE Select); coding-DNA position 4876, A replaced by C.
Protein change: p.Ile1626Leu; replaces isoleucine 1626 with leucine.
Molecular consequence: missense variant.
Genome position (GRCh38, 1-based): chr10:27,012,959, T>G on the plus strand (A>C on the coding strand, the complement: ANKRD26 is on the minus strand). VCF-style: chr10-27012959-T-G. GRCh37 (hg19) VCF-style: chr10-27301888-T-G.
Other names: c.4873A>C, p.Ile1625Leu (NM_001256053.2); short protein forms I1625L, I1626L.
Identifiers: ClinVar variation 1337901 (VCV001337901.9), dbSNP rs372371136, ClinGen allele CA5447702.

ClinVar aggregate classification (germline): Uncertain significance. Review status: criteria provided, multiple submitters, no conflicts (2 of 4 stars). 3 submissions from 3 submitters: Uncertain significance (3). Last evaluated 2025-08-22.

Conditions:
Inborn genetic diseases. Identifiers: MedGen C0950123, MeSH D030342.

Allele frequency attached by ClinVar (database versions not stated): gnomAD 0.00002; TOPMed 0.00002.
gnomAD v4.1: 73 of 1,614,060 alleles (0.0045%); highest among the groups gnomAD compares: Non-Finnish European, 0.0059%; no homozygotes.

Submissions (3):

Ambry Genetics
Classification: Uncertain significance for Inborn genetic diseases. Last evaluated: 2025-08-22. Review status: criteria provided, single submitter. Criteria: Ambry Variant Classification Scheme 2023. Collection method: clinical testing. Allele origin: germline.

Labcorp Genetics (formerly Invitae), Labcorp
Classification: Uncertain significance. Last evaluated: 2024-03-20. Review status: criteria provided, single submitter. Criteria: Invitae Variant Classification Sherloc (09022015). Collection method: clinical testing. Allele origin: germline.
Comment: This sequence change replaces isoleucine, which is neutral and non-polar, with leucine, which is neutral and non-polar, at codon 1626 of the ANKRD26 protein (p.Ile1626Leu). This variant is present in population databases (rs372371136, gnomAD 0.006%). This variant has not been reported in the literature in individuals affected with ANKRD26-related conditions. ClinVar contains an entry for this variant (Variation ID: 1337901). Algorithms developed to predict the effect of missense changes on protein structure and function output the following: SIFT: "Not Available"; PolyPhen-2: "Benign"; Align-GVGD: "Not Available". The leucine amino acid residue is found in multiple mammalian species, which suggests that this missense change does not adversely affect protein function. In summary, the available evidence is currently insufficient to determine the role of this variant in disease. Therefore, it has been classified as a Variant of Uncertain Significance.

Genetic Services Laboratory, University of Chicago
Classification: Uncertain significance. Last evaluated: 2021-04-21. Review status: criteria provided, single submitter. Criteria: ACMG Guidelines, 2015. Collection method: clinical testing. Allele origin: germline. Affected: no.
Comment: DNA sequence analysis of the ANKRD26 gene demonstrated a sequence change, c.4876A>C, in exon 32 that results in an amino acid change, p.Ile1626Leu. This sequence change has been described in gnomAD with low frequency of 0.0062% in the Non-finnish sub-population (dbSNP rs372371136). The p.Ile1626Leu change affects a moderately conserved amino acid residue located in a domain of the ANKRD26 protein that is known to be functional. In-silico pathogenicity prediction tools (SIFT, PolyPhen2, Align GVGD, REVEL) provide contradictory results for the p.Ile1626Leu substitution. This sequence change does not appear to have been previously described in patients with ANKRD26-related. Due to the lack of sufficient evidences, the clinical significance of the p.Ile1626Leu change remains unknown at this time.